The following is an entry in ClinVar:

ClinVar aggregate classification (germline): Uncertain significance. Review status: criteria provided, multiple submitters, no conflicts (2 of 4 stars). 2 submissions from 2 submitters: Uncertain significance (2). Last evaluated 2025-11-20.

Conditions:
Inborn genetic diseases. Identifiers: MedGen C0950123, MeSH D030342.

Allele frequency attached by ClinVar (database versions not stated): ExAC 0.00006; gnomAD exomes below 0.00001; gnomAD 0.00001; TOPMed 0.00001.
gnomAD v4.1: 10 of 1,574,622 alleles (0.00064%); highest among the groups gnomAD compares: Admixed American, 0.0018%; no homozygotes.

Submissions (2):

Ambry Genetics
Classification: Uncertain significance for Inborn genetic diseases. Last evaluated: 2025-11-20. Review status: criteria provided, single submitter. Criteria: Ambry Variant Classification Scheme 2023. Collection method: clinical testing. Allele origin: germline.

Labcorp Genetics (formerly Invitae), Labcorp
Classification: Uncertain significance. Last evaluated: 2022-06-01. Review status: criteria provided, single submitter. Criteria: Invitae Variant Classification Sherloc (09022015). Collection method: clinical testing. Allele origin: germline.
Comment: In summary, the available evidence is currently insufficient to determine the role of this variant in disease. Therefore, it has been classified as a Variant of Uncertain Significance. Algorithms developed to predict the effect of missense changes on protein structure and function (SIFT, PolyPhen-2, Align-GVGD) all suggest that this variant is likely to be disruptive. This variant has not been reported in the literature in individuals affected with ARHGEF18-related conditions. The frequency data for this variant in the population databases is considered unreliable, as metrics indicate poor data quality at this position in the gnomAD database. This sequence change replaces arginine, which is basic and polar, with histidine, which is basic and polar, at codon 1011 of the ARHGEF18 protein (p.Arg1011His).

NM_001367823.1(ARHGEF18):c.3596G>A (p.Arg1199His)

Gene: ARHGEF18 (Rho/Rac guanine nucleotide exchange factor 18; plus strand). Cytogenetic location: 19p13.2.
Variant type: single nucleotide variant.
Coding change: c.3596G>A on transcript NM_001367823.1 (MANE Select); coding-DNA position 3596, G replaced by A.
Protein change: p.Arg1199His; replaces arginine 1199 with histidine.
Molecular consequence: missense variant.
Genome position (GRCh38, 1-based): chr19:7,468,940, G>A. VCF-style: chr19-7468940-G-A. GRCh37 (hg19) VCF-style: chr19-7533826-G-A.
Other names: c.2870G>A, p.Arg957His (NM_001130955.2); c.2558G>A, p.Arg853His (NM_001367824.1, NM_015318.4); c.3032G>A (NM_001130955.1); short protein forms R853H, R957H, R1199H.
Identifiers: ClinVar variation 1963717 (VCV001963717.4), dbSNP rs762077928, ClinGen allele CA9137182.